The following is an entry in ClinVar:

ClinVar aggregate classification (germline): Uncertain significance (0 of 4 stars; one submission).

Conditions:
Alport syndrome. Also called: Hemorrhagic familial nephritis; Hemorrhagic hereditary nephritis; Congenital hereditary hematuria. Identifiers: Orphanet 63, MedGen C1567741, MONDO:0018965.

Submission:

Sydney Genome Diagnostics, Children's Hospital Westmead
Classification: Uncertain significance for Alport syndrome. Last evaluated: 2018-01-09. Review status: no assertion criteria provided. Collection method: clinical testing. Allele origin: unknown. Affected: yes. Observed: 1 variant allele, 1 heterozygote.
Comment: The variant has not been reported in any population databases (i.e. gnomAD, ExAC, ESP or dbSNP). To our knowledge, this variant has not been previously reported in the literature or any disease specific databases. In silico analysis of pathogenicity (through Alamut Visual v2.8.1) is inconclusive regarding this change; PolyPhen2 and SIFT predict this variant to be likely benign whereas Mutation Taster predicts this variant to be likely pathogenic. This variant is considered to be a variant of uncertain clinical significance (VOUS) according to the ACMG guidelines.

NM_033380.3(COL4A5):c.434C>T (p.Pro145Leu)

Gene: COL4A5 (collagen type IV alpha 5 chain; plus strand). Cytogenetic location: Xq22.3.
Variant type: single nucleotide variant.
Coding change: c.434C>T on transcript NM_033380.3 (MANE Select); coding-DNA position 434, C replaced by T.
Protein change: p.Pro145Leu; replaces proline 145 with leucine.
Molecular consequence: missense variant.
Genome position (GRCh38, 1-based): chrX:108,571,462, C>T. VCF-style: chrX-108571462-C-T. GRCh37 (hg19) VCF-style: chrX-107814692-C-T.
Other names: c.434C>T, p.Pro145Leu (NM_000495.5); short protein forms P145L.
Identifiers: ClinVar variation 988183 (VCV000988183.1), dbSNP rs2066063898, ClinGen allele CA413920205.